The following is an entry in ClinVar:

NM_003816.3(ADAM9):c.2065A>G (p.Asn689Asp)

Gene: ADAM9 (ADAM metallopeptidase domain 9; plus strand). Cytogenetic location: 8p11.22.
Variant type: single nucleotide variant.
Coding change: c.2065A>G on transcript NM_003816.3 (MANE Select); coding-DNA position 2065, A replaced by G.
Protein change: p.Asn689Asp; replaces asparagine 689 with aspartic acid.
Molecular consequence: missense variant. On other transcripts: non-coding transcript variant (1).
Genome position (GRCh38, 1-based): chr8:39,083,070, A>G. VCF-style: chr8-39083070-A-G. GRCh37 (hg19) VCF-style: chr8-38940589-A-G.
Other names: short protein forms N689D.
Identifiers: ClinVar variation 862548 (VCV000862548.10), dbSNP rs146127999, ClinGen allele CA4721785.
Genomic context (GRCh38, chr8:39,083,070, plus strand): 5'-GCTCCCCCAAATTGTGAGACTAAAGGATACGGAGGAAGTGTGGACAGTGGACCTACATAC[A>G]ATGGCAAGTAATATAGAAGAAAATTAGTGTGATCTCCCAGTGGCCCAAGGCATAAATTGG-3'
Protein context (NP_003807.1, residues 679-699): GGSVDSGPTY[Asn689Asp]EMNTALRDGL

ClinVar aggregate classification (germline): Conflicting classifications of pathogenicity. Review status: criteria provided, conflicting classifications (1 of 4 stars). 4 submissions from 4 submitters: Uncertain significance (3); Likely benign (1). Last evaluated 2024-09-02.

Conditions:
Inborn genetic diseases. Identifiers: MedGen C0950123, MeSH D030342.
Cone-rod dystrophy 9 (CORD9). Identifiers: Orphanet 1872, MedGen C1423873, MONDO:0013002, OMIM 612775.

Allele frequency attached by ClinVar (database versions not stated): gnomAD exomes 0.00004 and 0.00014; ExAC 0.00013; ESP Exome Variant Server 0.00015; gnomAD 0.00032 and 0.00038; TOPMed 0.00035.
gnomAD v4.1: 104 of 1,612,792 alleles (0.0064%); highest among the groups gnomAD compares: African/African-American, 0.11%; no homozygotes.

Submissions (4):

Blueprint Genetics
Classification: Likely benign. Last evaluated: 2024-09-02. Review status: criteria provided, single submitter. Criteria: ACMG Guidelines, 2015. Collection method: clinical testing. Allele origin: germline.

Labcorp Genetics (formerly Invitae), Labcorp
Classification: Uncertain significance. Last evaluated: 2024-01-15. Review status: criteria provided, single submitter. Criteria: Invitae Variant Classification Sherloc (09022015). Collection method: clinical testing. Allele origin: germline.
Comment: This sequence change replaces asparagine, which is neutral and polar, with aspartic acid, which is acidic and polar, at codon 689 of the ADAM9 protein (p.Asn689Asp). This variant is present in population databases (rs146127999, gnomAD 0.1%). This variant has not been reported in the literature in individuals affected with ADAM9-related conditions. ClinVar contains an entry for this variant (Variation ID: 862548). Advanced modeling of protein sequence and biophysical properties (such as structural, functional, and spatial information, amino acid conservation, physicochemical variation, residue mobility, and thermodynamic stability) performed at Invitae indicates that this missense variant is not expected to disrupt ADAM9 protein function with a negative predictive value of 80%. In summary, the available evidence is currently insufficient to determine the role of this variant in disease. Therefore, it has been classified as a Variant of Uncertain Significance.

Ambry Genetics
Classification: Uncertain significance for Inborn genetic diseases. Last evaluated: 2021-08-09. Review status: criteria provided, single submitter. Criteria: Ambry Variant Classification Scheme 2023. Collection method: clinical testing. Allele origin: germline.

Illumina Laboratory Services, Illumina
Classification: Uncertain significance for Cone-rod dystrophy 9. Last evaluated: 2018-01-13. Review status: criteria provided, single submitter. Criteria: ICSL Variant Classification Criteria 13 December 2019. Collection method: clinical testing. Allele origin: germline.